The following is an entry in ClinVar:

NM_004408.4(DNM1):c.796C>A (p.Arg266Ser)

Gene: DNM1 (dynamin 1; plus strand). Cytogenetic location: 9q34.11.
Variant type: single nucleotide variant.
Coding change: c.796C>A on transcript NM_004408.4 (MANE Select); coding-DNA position 796, C replaced by A.
Protein change: p.Arg266Ser; replaces arginine 266 with serine.
Molecular consequence: missense variant.
Genome position (GRCh38, 1-based): chr9:128,220,288, C>A. VCF-style: chr9-128220288-C-A. GRCh37 (hg19) VCF-style: chr9-130982567-C-A.
Other names: c.796C>A, p.Arg266Ser (NM_001005336.3, NM_001288737.2, NM_001288738.2 and 2 more transcripts); c.796C>A (NM_004408.3); short protein forms R266S.
Identifiers: ClinVar variation 1438580 (VCV001438580.7), dbSNP rs138053929, ClinGen allele CA375013420.

ClinVar aggregate classification (germline): Uncertain significance. Review status: criteria provided, multiple submitters, no conflicts (2 of 4 stars). 2 submissions from 2 submitters: Uncertain significance (2). Last evaluated 2024-05-29.

Conditions:
Developmental and epileptic encephalopathy, 31A. Also called: Epileptic encephalopathy, early infantile, 31; Developmental and epileptic encephalopathy, 31. Identifiers: Orphanet 2382, MedGen C4225357, MONDO:0014598, OMIM 616346.

gnomAD v4.1: 2 of 1,614,226 alleles (0.00012%); highest among the groups gnomAD compares: Non-Finnish European, 0.000085%; no homozygotes.

Submissions (2):

GeneDx
Classification: Uncertain significance. Last evaluated: 2024-05-29. Review status: criteria provided, single submitter. Criteria: GeneDx Variant Classification Process June 2021. Collection method: clinical testing. Allele origin: germline. Affected: yes.
Comment: Not observed at significant frequency in large population cohorts (gnomAD); In silico analysis supports that this missense variant has a deleterious effect on protein structure/function; In silico analysis suggests this variant may impact gene splicing. In the absence of RNA/functional studies, the actual effect of this sequence change is unknown.; Has not been previously published as pathogenic or benign to our knowledge

Labcorp Genetics (formerly Invitae), Labcorp
Classification: Uncertain significance for Developmental and epileptic encephalopathy, 31A. Last evaluated: 2022-09-27. Review status: criteria provided, single submitter. Criteria: Invitae Variant Classification Sherloc (09022015). Collection method: clinical testing. Allele origin: germline.
Comment: In summary, the available evidence is currently insufficient to determine the role of this variant in disease. Therefore, it has been classified as a Variant of Uncertain Significance. Algorithms developed to predict the effect of sequence changes on RNA splicing suggest that this variant may create or strengthen a splice site. Advanced modeling of protein sequence and biophysical properties (such as structural, functional, and spatial information, amino acid conservation, physicochemical variation, residue mobility, and thermodynamic stability) performed at Invitae indicates that this missense variant is not expected to disrupt DNM1 protein function. ClinVar contains an entry for this variant (Variation ID: 1438580). This variant has not been reported in the literature in individuals affected with DNM1-related conditions. This variant is not present in population databases (gnomAD no frequency). This sequence change replaces arginine, which is basic and polar, with serine, which is neutral and polar, at codon 266 of the DNM1 protein (p.Arg266Ser).